The following is an entry in ClinVar:

ClinVar aggregate classification (germline): Uncertain significance (1 of 4 stars; one submission).

Conditions:
Inborn genetic diseases. Identifiers: MedGen C0950123, MeSH D030342.

Submission:

Ambry Genetics
Classification: Uncertain significance for Inborn genetic diseases. Last evaluated: 2026-04-30. Review status: criteria provided, single submitter. Criteria: Ambry Variant Classification Scheme 2023. Collection method: clinical testing. Allele origin: germline.
Comment: The p.H70Q variant (also known as c.210C>G), located in coding exon 2 of the ELANE gene, results from a C to G substitution at nucleotide position 210. The histidine at codon 70 is replaced by glutamine, an amino acid with highly similar properties. This amino acid position is conserved. In addition, this alteration is predicted to be deleterious by in silico analysis. Based on the available evidence, the clinical significance of this variant remains unclear.

NM_001972.4(ELANE):c.210C>G (p.His70Gln)

Gene: ELANE (elastase, neutrophil expressed; plus strand). Cytogenetic location: 19p13.3.
Variant type: single nucleotide variant.
Coding change: c.210C>G on transcript NM_001972.4 (MANE Select); coding-DNA position 210, C replaced by G.
Protein change: p.His70Gln; replaces histidine 70 with glutamine.
Molecular consequence: missense variant.
Genome position (GRCh38, 1-based): chr19:853,018, C>G. VCF-style: chr19-853018-C-G. GRCh37 (hg19) VCF-style: chr19-853018-C-G.
Other names: short protein forms H70Q.
Identifiers: ClinVar variation 4870361 (VCV004870361.1).